The following is an entry in ClinVar:

ClinVar aggregate classification (germline): Benign/Likely benign. Review status: criteria provided, multiple submitters, no conflicts (2 of 4 stars). 10 submissions from 10 submitters: Benign (7); Likely benign (1). 2 of the submissions do not count toward it. Last evaluated 2026-02-03.

Conditions:
Glycogen storage disease type III (GSD3). Also called: FORBES DISEASE; Cori disease. Identifiers: Orphanet 366, MedGen C0017922, MONDO:0009291, OMIM 232400.

Allele frequency attached by ClinVar (database versions not stated): 1000 Genomes Project 30x 0.00859; 1000 Genomes Project 0.00879; TOPMed 0.01284; ESP Exome Variant Server 0.01445; gnomAD 0.01517 and 0.01529; gnomAD exomes 0.01566 and 0.01609; ExAC 0.01622.

Submissions (10):

Labcorp Genetics (formerly Invitae), Labcorp
Classification: Benign for Glycogen storage disease type III. Last evaluated: 2026-02-03. Review status: criteria provided, single submitter. Criteria: Invitae Variant Classification Sherloc (09022015). Collection method: clinical testing. Allele origin: germline.

ARUP Laboratories, Molecular Genetics and Genomics, ARUP Laboratories
Classification: Benign. Last evaluated: 2025-07-31. Review status: criteria provided, single submitter. Criteria: ARUP Molecular Germline Variant Investigation Process 2024. Collection method: clinical testing. Allele origin: germline.

Blueprint Genetics
Classification: Likely benign. Last evaluated: 2024-11-26. Review status: criteria provided, single submitter. Criteria: ACMG Guidelines, 2015. Collection method: clinical testing. Allele origin: germline.

Genome-Nilou Lab
Classification: Benign for Glycogen storage disease type III. Last evaluated: 2021-07-15. Review status: criteria provided, single submitter. Criteria: ACMG Guidelines, 2015. Collection method: clinical testing. Allele origin: germline. Affected: no.

Illumina Laboratory Services, Illumina
Classification: Benign for Glycogen storage disease type III. Last evaluated: 2018-01-13. Review status: criteria provided, single submitter. Criteria: ICSL Variant Classification Criteria 13 December 2019. Collection method: clinical testing. Allele origin: germline.
Comment: This variant was observed in the ICSL laboratory as part of a predisposition screen in an ostensibly healthy population. It had not been previously curated by ICSL or reported in the Human Gene Mutation Database (HGMD: prior to June 1st, 2018), and was therefore a candidate for classification through an automated scoring system. Utilizing variant allele frequency, disease prevalence and penetrance estimates, and inheritance mode, an automated score was calculated to assess if this variant is too frequent to cause the disease. Based on the score and internal cut-off values, a variant classified as benign is not then subjected to further curation. The score for this variant resulted in a classification of benign for this disease.

GeneDx
Classification: Benign. Last evaluated: 2016-02-10. Review status: criteria provided, single submitter. Criteria: GeneDx Variant Classification (06012015). Collection method: clinical testing. Allele origin: germline. Affected: yes.
Comment: This variant is considered likely benign or benign based on one or more of the following criteria: it is a conservative change, it occurs at a poorly conserved position in the protein, it is predicted to be benign by multiple in silico algorithms, and/or has population frequency not consistent with disease.

Breakthrough Genomics
Classification: Benign. Review status: criteria provided, single submitter. Criteria: ACMG Guidelines, 2015. Collection method: not provided. Allele origin: germline. Inheritance: Autosomal recessive inheritance. Affected: yes.

PreventionGenetics, part of Exact Sciences
Classification: Benign. Review status: criteria provided, single submitter. Criteria: ACMG Guidelines, 2015. Collection method: clinical testing. Allele origin: germline.

Natera, Inc.
Classification: Benign for Glycogen storage disease type III. Last evaluated: 2020-09-16. Review status: no assertion criteria provided. Collection method: clinical testing. Allele origin: germline. Not counted in ClinVar's aggregate classification.

Mayo Clinic Laboratories, Mayo Clinic
Classification: Benign. Last evaluated: 2017-03-14. Review status: no assertion criteria provided. Collection method: clinical testing. Allele origin: unknown. Not counted in ClinVar's aggregate classification.

NM_000642.3(AGL):c.207T>C (p.Asn69=)

Gene: AGL (amylo-alpha-1,6-glucosidase and 4-alpha-glucanotransferase; plus strand). Cytogenetic location: 1p21.2.
Variant type: single nucleotide variant.
Coding change: c.207T>C on transcript NM_000642.3 (MANE Select); coding-DNA position 207, T replaced by C.
Protein change: p.Asn69=; no amino-acid change (asparagine 69 retained).
Molecular consequence: synonymous variant.
Genome position (GRCh38, 1-based): chr1:99,861,627, T>C. VCF-style: chr1-99861627-T-C. GRCh37 (hg19) VCF-style: chr1-100327183-T-C.
Other names: c.207T>C, p.Asn69= (NM_000028.3, NM_000643.3, NM_000644.3 and 5 more transcripts); c.159T>C, p.Asn53= (NM_000646.3).
Identifiers: ClinVar variation 256726 (VCV000256726.63), dbSNP rs2230305, ClinGen allele CA966085.